The following is an entry in ClinVar:

ClinVar aggregate classification (germline): Benign. Review status: criteria provided, multiple submitters, no conflicts (2 of 4 stars). 6 submissions from 6 submitters: Benign (4). 2 of the submissions do not count toward it. Last evaluated 2026-07-01.

Conditions:
Hereditary sensory and autonomic neuropathy with spastic paraplegia (HSNSP). Identifiers: Orphanet 139578, MedGen C1850395, MONDO:0009748, OMIM 256840.

Allele frequency attached by ClinVar (database versions not stated): 1000 Genomes Project 30x 0.00281; 1000 Genomes Project 0.00300; gnomAD 0.00481 and 0.00491; ESP Exome Variant Server 0.00500; TOPMed 0.00511; ExAC 0.00541; gnomAD exomes 0.00603 and 0.00614.
gnomAD v4.1: 9,668 of 1,614,074 alleles (0.6%); highest among the groups gnomAD compares: Admixed American, 1.5%; 43 homozygotes.

Submissions (6):

CeGaT Center for Human Genetics Tuebingen
Classification: Benign. Last evaluated: 2026-07-01. Review status: criteria provided, single submitter. Criteria: CeGaT Center For Human Genetics Tuebingen Variant Classification Criteria Version 2. Collection method: clinical testing. Allele origin: germline. Affected: yes. Observed: 9 variant alleles.
Comment: CCT5: BS1, BS2

Labcorp Genetics (formerly Invitae), Labcorp
Classification: Benign for Hereditary sensory and autonomic neuropathy with spastic paraplegia. Last evaluated: 2026-01-24. Review status: criteria provided, single submitter. Criteria: Invitae Variant Classification Sherloc (09022015). Collection method: clinical testing. Allele origin: germline.

ARUP Laboratories, Molecular Genetics and Genomics, ARUP Laboratories
Classification: Benign for Hereditary sensory and autonomic neuropathy with spastic paraplegia. Last evaluated: 2023-11-29. Review status: criteria provided, single submitter. Criteria: ARUP Molecular Germline Variant Investigation Process 2024. Collection method: clinical testing. Allele origin: germline.

Illumina Laboratory Services, Illumina
Classification: Benign for Hereditary sensory and autonomic neuropathy with spastic paraplegia. Last evaluated: 2018-01-12. Review status: criteria provided, single submitter. Criteria: ICSL Variant Classification Criteria 13 December 2019. Collection method: clinical testing. Allele origin: germline.
Comment: This variant was observed in the ICSL laboratory as part of a predisposition screen in an ostensibly healthy population. It had not been previously curated by ICSL or reported in the Human Gene Mutation Database (HGMD: prior to June 1st, 2018), and was therefore a candidate for classification through an automated scoring system. Utilizing variant allele frequency, disease prevalence and penetrance estimates, and inheritance mode, an automated score was calculated to assess if this variant is too frequent to cause the disease. Based on the score and internal cut-off values, a variant classified as benign is not then subjected to further curation. The score for this variant resulted in a classification of benign for this disease.

Clinical Genetics, Academic Medical Center
Classification: Likely benign. Review status: no assertion criteria provided. Collection method: clinical testing. Allele origin: germline. Affected: yes. Study: VKGL Data-share Consensus. Not counted in ClinVar's aggregate classification.

Laboratory of Diagnostic Genome Analysis, Leiden University Medical Center (LUMC)
Classification: Likely benign. Review status: no assertion criteria provided. Collection method: clinical testing. Allele origin: germline. Affected: yes. Study: VKGL Data-share Consensus. Not counted in ClinVar's aggregate classification.

NM_012073.5(CCT5):c.1086C>G (p.Ile362Met)

Gene: CCT5 (chaperonin containing TCP1 subunit 5; plus strand). Cytogenetic location: 5p15.2.
Variant type: single nucleotide variant.
Coding change: c.1086C>G on transcript NM_012073.5 (MANE Select); coding-DNA position 1086, C replaced by G.
Protein change: p.Ile362Met; replaces isoleucine 362 with methionine.
Molecular consequence: missense variant.
Genome position (GRCh38, 1-based): chr5:10,261,652, C>G. VCF-style: chr5-10261652-C-G. GRCh37 (hg19) VCF-style: chr5-10261764-C-G.
Other names: c.1023C>G, p.Ile341Met (NM_001306153.1); c.921C>G, p.Ile307Met (NM_001306154.2); c.807C>G, p.Ile269Met (NM_001306155.2); c.972C>G, p.Ile324Met (NM_001306156.2); short protein forms I362M, I269M, I324M, I341M, I307M.
Identifiers: ClinVar variation 240839 (VCV000240839.64), dbSNP rs141675330, ClinGen allele CA3198250.
Genomic context (GRCh38, chr5:10,261,652, plus strand): 5'-CCCCAGGTTCTCAGAGCTCACAGCCGAGAAGCTGGGCTTTGCTGGTCTTGTACAGGAGAT[C>G]TCATTTGGGACAACTAAGGATAAAATGCTGGTCATCGAGCAGTGTAAGAACTCCAGAGCT-3'
Protein context (NP_036205.1, residues 352-372): KLGFAGLVQE[Ile362Met]SFGTTKDKML